The following is an entry in ClinVar:

ClinVar aggregate classification (germline): Uncertain significance. Review status: criteria provided, multiple submitters, no conflicts (2 of 4 stars). 2 submissions from 2 submitters: Uncertain significance (2). Last evaluated 2025-07-09.

Conditions:
Curry-Hall syndrome (WAD). Also called: WEYERS ACRODENTAL DYSOSTOSIS. Identifiers: Orphanet 952, MedGen C0457013, MONDO:0008673, OMIM 193530.
Ellis-van Creveld syndrome (EVC). Also called: MESOECTODERMAL DYSPLASIA; Chondroectodermal dysplasia. Identifiers: Orphanet 289, MedGen C0013903, MONDO:0009162, OMIM 225500.

gnomAD v4.1: 5 of 1,613,964 alleles (0.00031%); highest among the groups gnomAD compares: African/African-American, 0.0027%; no homozygotes.

Submissions (2):

Labcorp Genetics (formerly Invitae), Labcorp
Classification: Uncertain significance for Curry-Hall syndrome; Ellis-van Creveld syndrome. Last evaluated: 2025-07-09. Review status: criteria provided, single submitter. Criteria: Invitae Variant Classification Sherloc (09022015). Collection method: clinical testing. Allele origin: germline.
Comment: This sequence change replaces glutamine, which is neutral and polar, with arginine, which is basic and polar, at codon 364 of the EVC protein (p.Gln364Arg). This variant is present in population databases (no rsID available, gnomAD 0.004%). This variant has not been reported in the literature in individuals affected with EVC-related conditions. Invitae Evidence Modeling of protein sequence and biophysical properties (such as structural, functional, and spatial information, amino acid conservation, physicochemical variation, residue mobility, and thermodynamic stability) has been performed for this missense variant. However, the output from this modeling did not meet the statistical confidence thresholds required to predict the impact of this variant on EVC protein function. In summary, the available evidence is currently insufficient to determine the role of this variant in disease. Therefore, it has been classified as a Variant of Uncertain Significance.

Blueprint Genetics
Classification: Uncertain significance. Last evaluated: 2020-07-13. Review status: criteria provided, single submitter. Criteria: ACMG Guidelines, 2015. Collection method: clinical testing. Allele origin: germline.

NM_153717.3(EVC):c.1091A>G (p.Gln364Arg)

Gene: EVC (EvC ciliary complex subunit 1; plus strand). Cytogenetic location: 4p16.2.
Variant type: single nucleotide variant.
Coding change: c.1091A>G on transcript NM_153717.3 (MANE Select); coding-DNA position 1091, A replaced by G.
Protein change: p.Gln364Arg; replaces glutamine 364 with arginine.
Molecular consequence: missense variant.
Genome position (GRCh38, 1-based): chr4:5,748,299, A>G. VCF-style: chr4-5748299-A-G. GRCh37 (hg19) VCF-style: chr4-5750026-A-G.
Other names: c.1091A>G, p.Gln364Arg (NM_001306090.2, NM_001306092.2); short protein forms Q364R.
Identifiers: ClinVar variation 4788637 (VCV004788637.2).